The following is an entry in ClinVar:

NM_001395656.1(ROBO2):c.2951C>T (p.Thr984Ile)

Gene: ROBO2 (roundabout guidance receptor 2; plus strand). Cytogenetic location: 3p12.3.
Variant type: single nucleotide variant.
Coding change: c.2951C>T on transcript NM_001395656.1 (MANE Select); coding-DNA position 2951, C replaced by T.
Protein change: p.Thr984Ile; replaces threonine 984 with isoleucine.
Molecular consequence: missense variant.
Genome position (GRCh38, 1-based): chr3:77,602,294, C>T. VCF-style: chr3-77602294-C-T. GRCh37 (hg19) VCF-style: chr3-77651445-C-T.
Other names: c.2987C>T, p.Thr996Ile (NM_001128929.3); c.2951C>T, p.Thr984Ile (NM_001290039.2, NM_001290040.2, NM_001378202.1); c.1160C>T, p.Thr387Ile (NM_001290065.2); c.2999C>T, p.Thr1000Ile (NM_001378190.1, NM_001378191.1, NM_001378195.1 and 4 more transcripts); c.3020C>T, p.Thr1007Ile (NM_001378192.1, NM_001378194.1, NM_001378198.1 and 2 more transcripts); c.2939C>T, p.Thr980Ile (NM_001378193.1, NM_001378197.1, NM_002942.5); c.3008C>T, p.Thr1003Ile (NM_001394212.1, NM_001394214.1, NM_001395657.1); short protein forms T980I, T387I, T984I, T996I, T1000I, T1003I, T1007I.
Identifiers: ClinVar variation 718511 (VCV000718511.9), dbSNP rs114571615, ClinGen allele CA2497490.

ClinVar aggregate classification (germline): Likely benign. Review status: criteria provided, single submitter (1 of 4 stars). 2 submissions from 2 submitters: Likely benign (1). 1 of the submissions does not count toward it. Last evaluated 2026-01-06.

Conditions:
ROBO2-related disorder. Also called: ROBO2-related condition.

Allele frequency attached by ClinVar (database versions not stated): gnomAD exomes 0.00010 and 0.00022; ExAC 0.00028; ESP Exome Variant Server 0.00097; gnomAD 0.00105 and 0.00114; 1000 Genomes Project 0.00120; TOPMed 0.00122; 1000 Genomes Project 30x 0.00125.
gnomAD v4.1: 311 of 1,614,178 alleles (0.019%); highest among the groups gnomAD compares: African/African-American, 0.38%; no homozygotes.

Submissions (2):

Labcorp Genetics (formerly Invitae), Labcorp
Classification: Likely benign. Last evaluated: 2026-01-06. Review status: criteria provided, single submitter. Criteria: Invitae Variant Classification Sherloc (09022015). Collection method: clinical testing. Allele origin: germline.

PreventionGenetics, part of Exact Sciences
Classification: Likely benign for ROBO2-related condition. Last evaluated: 2019-12-14. Review status: no assertion criteria provided. Collection method: clinical testing. Allele origin: germline. Not counted in ClinVar's aggregate classification.
Comment: This variant is classified as likely benign based on ACMG/AMP sequence variant interpretation guidelines (Richards et al. 2015 PMID: 25741868, with internal and published modifications).